The following is an entry in ClinVar:

ClinVar aggregate classification (germline): Pathogenic/Likely pathogenic. Review status: criteria provided, multiple submitters, no conflicts (2 of 4 stars). 2 submissions from 2 submitters: Pathogenic (1); Likely pathogenic (1). Last evaluated 2025-12-01.

Conditions:
Autosomal recessive limb-girdle muscular dystrophy. Identifiers: Orphanet 102015, MedGen C2931907, MONDO:0015152.
Neuromuscular disease caused by qualitative or quantitative defects of dysferlin. Also called: Dysferlinopathy; Qualitative or quantitative defects of dysferlin. Identifiers: Orphanet 207073, MedGen C2931687, MONDO:0016145.

Submissions (2):

Intergen Genetics and Rare Diseases Diagnosis Center
Classification: Likely pathogenic for Autosomal recessive limb-girdle muscular dystrophy. Last evaluated: 2025-12-01. Review status: criteria provided, single submitter. Criteria: ACMG Guidelines, 2015. Collection method: clinical testing. Allele origin: germline. Inheritance: Autosomal recessive inheritance. Affected: yes. Observed: 1 homozygote.
Comment: PVS1, PM3, PM2

Labcorp Genetics (formerly Invitae), Labcorp
Classification: Pathogenic for Neuromuscular disease caused by qualitative or quantitative defects of dysferlin. Last evaluated: 2022-06-04. Review status: criteria provided, single submitter. Criteria: Invitae Variant Classification Sherloc (09022015). Collection method: clinical testing. Allele origin: germline.
Comment: For these reasons, this variant has been classified as Pathogenic. This premature translational stop signal has been observed in individual(s) with DYSF-related conditions (PMID: 17070050). This variant is not present in population databases (gnomAD no frequency). This sequence change creates a premature translational stop signal (p.Glu1021Glyfs*11) in the DYSF gene. It is expected to result in an absent or disrupted protein product. Loss-of-function variants in DYSF are known to be pathogenic (PMID: 17698709, 20301480).

Literature cited by the submitters: PubMed 17070050 (cited by Labcorp Genetics (formerly Invitae), Labcorp); PubMed 17698709 (cited by Labcorp Genetics (formerly Invitae), Labcorp); PubMed 20301480 (cited by Labcorp Genetics (formerly Invitae), Labcorp).

NM_001130987.2(DYSF):c.3115dup (p.Glu1039fs)

Gene: DYSF (dysferlin; plus strand). Cytogenetic location: 2p13.2.
Variant type: Duplication.
Coding change: c.3115dup on transcript NM_001130987.2 (MANE Select); coding-DNA position 3115, one base duplicated (G; older notation c.3115dupG).
Protein change: p.Glu1039fs; shifts the reading frame from glutamic acid 1039.
Molecular consequence: frameshift variant.
Genome position (GRCh38, 1-based): chr2:71,570,628, G duplicated; the last of 2 consecutive G bases (chr2:71,570,627-71,570,628); duplicating either gives the same sequence. VCF-style (leftmost placement, unchanged base first): chr2-71570626-C-CG. GRCh37 (hg19) VCF-style: chr2-71797756-C-CG.
Other names: c.3064dup, p.Glu1022fs (NM_001130455.2, NM_001130983.2); c.3019dup, p.Glu1007fs (NM_001130976.2, NM_001130977.2); c.3061dup, p.Glu1021fs (NM_001130978.2, NM_003494.4); c.3154dup, p.Glu1052fs (NM_001130979.2); c.3112dup, p.Glu1038fs (NM_001130980.2, NM_001130981.2); c.3157dup, p.Glu1053fs (NM_001130982.2); c.3022dup, p.Glu1008fs (NM_001130984.2, NM_001130986.2); c.3115dup, p.Glu1039fs (NM_001130985.2); short protein forms E1007fs, E1008fs, E1038fs, E1039fs, E1052fs, E1022fs, E1021fs, E1053fs.
Identifiers: ClinVar variation 2194564 (VCV002194564.5), dbSNP rs2545823560, ClinGen allele CA2580067857.